The following is an entry in ClinVar:

NM_022114.4(PRDM16):c.875A>T (p.Asn292Ile)

Gene: PRDM16 (PR/SET domain 16; plus strand). Cytogenetic location: 1p36.32.
Variant type: single nucleotide variant.
Coding change: c.875A>T on transcript NM_022114.4 (MANE Select); coding-DNA position 875, A replaced by T.
Protein change: p.Asn292Ile; replaces asparagine 292 with isoleucine.
Molecular consequence: missense variant.
Genome position (GRCh38, 1-based): chr1:3,402,989, A>T. VCF-style: chr1-3402989-A-T. GRCh37 (hg19) VCF-style: chr1-3319553-A-T.
Other names: c.875A>T, p.Asn292Ile (NM_199454.3); short protein forms N292I.
Identifiers: ClinVar variation 4628338 (VCV004628338.2).

ClinVar aggregate classification (germline): Uncertain significance. Review status: criteria provided, multiple submitters, no conflicts (2 of 4 stars). 2 submissions from 2 submitters: Uncertain significance (2). Last evaluated 2026-06-01.

Conditions:
Inborn genetic diseases. Identifiers: MedGen C0950123, MeSH D030342.
PRDM16-related disorder. Also called: PRDM16-related condition.

gnomAD v4.1: 53 of 1,603,738 alleles (0.0033%); highest among the groups gnomAD compares: Non-Finnish European, 0.0044%; no homozygotes.

Submissions (2):

PreventionGenetics, part of Exact Sciences
Classification: Uncertain significance for PRDM16-related condition. Last evaluated: 2026-06-01. Review status: criteria provided, single submitter. Criteria: ACMG Guidelines, 2015. Collection method: clinical testing. Allele origin: germline.
Comment: The PRDM16 c.875A>T variant is predicted to result in the amino acid substitution p.Asn292Ile. To our knowledge, this variant has not been reported in the literature. This variant is reported in 0.0018% of alleles in individuals of European (Non-Finnish) descent in gnomAD. Although we suspect that this variant may be benign. At this time, the clinical significance of this variant is uncertain due to the absence of conclusive functional and genetic evidence.

Ambry Genetics
Classification: Uncertain significance for Inborn genetic diseases. Last evaluated: 2025-10-06. Review status: criteria provided, single submitter. Criteria: Ambry Variant Classification Scheme 2023. Collection method: clinical testing. Allele origin: germline.